The following is an entry in ClinVar:

NM_004407.4(DMP1):c.263C>T (p.Ala88Val)

Genes: DMP1 (dentin matrix acidic phosphoprotein 1; plus strand), DMP1-AS1 (DMP1 and DSPP antisense RNA 1; minus strand). Cytogenetic location: 4q22.1.
Variant type: single nucleotide variant.
Coding change: c.263C>T on transcript NM_004407.4 (MANE Select); coding-DNA position 263, C replaced by T.
Protein change: p.Ala88Val; replaces alanine 88 with valine.
Molecular consequence: missense variant.
Genome position (GRCh38, 1-based): chr4:87,662,041, C>T. VCF-style: chr4-87662041-C-T. GRCh37 (hg19) VCF-style: chr4-88583193-C-T.
Other names: c.215C>T, p.Ala72Val (NM_001079911.3); short protein forms A88V, A72V.
Identifiers: ClinVar variation 727673 (VCV000727673.11), dbSNP rs144773084, ClinGen allele CA3001999.
Genomic context (GRCh38, chr4:87,662,041, plus strand): 5'-ACAGCACTCAGTCAGAGGAGGGCCTGGGCTCTGATGATCATCAATACATTTATAGGCTAG[C>T]TGGTGGCTTCTCCAGGAGCACAGGAAAAGGAGGAGATGATAAAGATGACGATGAAGATGA-3'
Protein context (NP_004398.1, residues 78-98): SDDHQYIYRL[Ala88Val]GGFSRSTGKG

ClinVar aggregate classification (germline): Likely benign. Review status: criteria provided, multiple submitters, no conflicts (2 of 4 stars). 3 submissions from 3 submitters: Likely benign (2). 1 of the submissions does not count toward it. Last evaluated 2026-01-05.

Conditions:
DMP1-related disorder. Also called: DMP1-related condition.

Allele frequency attached by ClinVar (database versions not stated): gnomAD exomes 0.00007 and 0.00021; 1000 Genomes Project 30x 0.00016; 1000 Genomes Project 0.00020; ExAC 0.00028; gnomAD 0.00082 and 0.00092; TOPMed 0.00097; ESP Exome Variant Server 0.00138.
gnomAD v4.1: 221 of 1,614,194 alleles (0.014%); highest among the groups gnomAD compares: African/African-American, 0.28%; no homozygotes.

Submissions (3):

Labcorp Genetics (formerly Invitae), Labcorp
Classification: Likely benign. Last evaluated: 2026-01-05. Review status: criteria provided, single submitter. Criteria: Invitae Variant Classification Sherloc (09022015). Collection method: clinical testing. Allele origin: germline.

PreventionGenetics, part of Exact Sciences
Classification: Likely benign for DMP1-related condition. Last evaluated: 2024-12-27. Review status: criteria provided, single submitter. Criteria: ACMG Guidelines, 2015. Collection method: clinical testing. Allele origin: germline.
Comment: This variant is classified as likely benign based on ACMG/AMP sequence variant interpretation guidelines (Richards et al. 2015 PMID: 25741868, with internal and published modifications).

Department of Pathology and Laboratory Medicine, Sinai Health System
Classification: Uncertain significance. Review status: no assertion criteria provided. Collection method: clinical testing. Allele origin: unknown. Affected: yes. Study: The Canadian Open Genetics Repository (COGR). Not counted in ClinVar's aggregate classification.
Comment: The DMP1 p.A88V variant was not identified in the literature but was identified in dbSNP (ID: rs144773084) and ClinVar (classified as likely benign by Invitae). The variant was identified in control databases in 81 of 282848 chromosomes (1 homozygous) at a frequency of 0.0002864, and was observed at the highest frequency in the African population in 80 of 24962 chromosomes (1 homozygous) (freq: 0.003205) (Genome Aggregation Database March 6, 2019, v2.1.1). The p.A88 residue is conserved in mammals and computational analyses (MUT Assesor, PolyPhen-2, SIFT, MutationTaster, Revel, FATHMM, MetaLR, DANN) provide inconsistent predictions regarding the impact to the protein; this information is not very predictive of pathogenicity. The variant occurs outside of the splicing consensus sequence and in silico or computational prediction software programs (Splice AI exome) do not predict a difference in splicing. In summary, based on the above information the clinical significance of this variant cannot be determined with certainty at this time. This variant is classified as a variant of uncertain significance.